The following is an entry in ClinVar:

NM_006912.6(RIT1):c.91G>C (p.Gly31Arg)

Gene: RIT1 (Ras like without CAAX 1; minus strand). Cytogenetic location: 1q22.
Variant type: single nucleotide variant.
Coding change: c.91G>C on transcript NM_006912.6 (MANE Select); coding-DNA position 91, G replaced by C.
Protein change: p.Gly31Arg; replaces glycine 31 with arginine.
Molecular consequence: missense variant. On other transcripts: intron variant (1).
Genome position (GRCh38, 1-based): chr1:155,910,671, C>G on the plus strand (G>C on the coding strand, the complement: RIT1 is on the minus strand). VCF-style: chr1-155910671-C-G. GRCh37 (hg19) VCF-style: chr1-155880462-C-G.
Other names: c.142G>C, p.Gly48Arg (NM_001256821.2); c.-2-165G>C (NM_001256820.2); c.142G>C (NM_001256821.1); short protein forms G31R, G48R.
Identifiers: ClinVar variation 694723 (VCV000694723.5), dbSNP rs1571999498, ClinGen allele CA342776221.

ClinVar aggregate classification (germline): Pathogenic/Likely pathogenic. Review status: criteria provided, multiple submitters, no conflicts (2 of 4 stars). 3 submissions from 3 submitters: Pathogenic (1); Likely pathogenic (2). Last evaluated 2023-11-09.

Conditions:
Noonan syndrome 1 (NS1). Also called: PTPN11-Related Noonan Syndrome; FEMALE PSEUDO-TURNER SYNDROME; TURNER PHENOTYPE WITH NORMAL KARYOTYPE. Identifiers: Orphanet 648, MedGen C4551602, MONDO:0008104, OMIM 163950. Disease mechanism: gain of function.
Noonan syndrome 8 (NS8). Identifiers: Orphanet 648, MedGen C3809233, MONDO:0014143, OMIM 615355.
RIT1-related disorder. Also called: RIT1-related condition.

gnomAD v4.1: 1 of 1,614,202 alleles (0.000062%); highest among the groups gnomAD compares: Middle Eastern, 0.016%; no homozygotes.

Submissions (3):

Labcorp Genetics (formerly Invitae), Labcorp
Classification: Likely pathogenic for Noonan syndrome 8. Last evaluated: 2023-11-09. Review status: criteria provided, single submitter. Criteria: Invitae Variant Classification Sherloc (09022015). Collection method: clinical testing. Allele origin: germline.
Comment: This sequence change replaces glycine, which is neutral and non-polar, with arginine, which is basic and polar, at codon 31 of the RIT1 protein (p.Gly31Arg). This variant is not present in population databases (gnomAD no frequency). This missense change has been observed in individuals with RIT1-related conditions (PMID: 27101134; Invitae). ClinVar contains an entry for this variant (Variation ID: 694723). Advanced modeling of protein sequence and biophysical properties (such as structural, functional, and spatial information, amino acid conservation, physicochemical variation, residue mobility, and thermodynamic stability) performed at Invitae indicates that this missense variant is expected to disrupt RIT1 protein function with a positive predictive value of 95%. Experimental studies have shown that this missense change affects RIT1 function (PMID: 29734338). In summary, the currently available evidence indicates that the variant is pathogenic, but additional data are needed to prove that conclusively. Therefore, this variant has been classified as Likely Pathogenic.

PreventionGenetics, part of Exact Sciences
Classification: Likely pathogenic for RIT1-related condition. Last evaluated: 2023-04-03. Review status: criteria provided, single submitter. Criteria: ACMG Guidelines, 2015. Collection method: clinical testing. Allele origin: germline.
Comment: The RIT1 c.142G>C variant is predicted to result in the amino acid substitution p.Gly48Arg. This variant has been reported in a parent and child with features overlapping with Noonan syndrome (Kouz et al. 2016. PubMed ID: 27101134). This variant has not been reported in a large population database, indicating this variant is rare. This variant is interpreted as likely pathogenic.

Institute for Genomic Statistics and Bioinformatics, University Hospital Bonn
Classification: Pathogenic for Noonan syndrome 1. Review status: criteria provided, single submitter. Criteria: ACMG Guidelines, 2015. Collection method: clinical testing. Allele origin: unknown. Affected: yes. Observed: 1 variant allele.

Literature cited by the submitters: PubMed 27101134 (cited by Labcorp Genetics (formerly Invitae), Labcorp); PubMed 29734338 (cited by Labcorp Genetics (formerly Invitae), Labcorp).